The following is an entry in ClinVar:

ClinVar aggregate classification (germline): Uncertain significance (1 of 4 stars; one submission).

Submission:

CeGaT Center for Human Genetics Tuebingen
Classification: Uncertain significance. Last evaluated: 2024-04-01. Review status: criteria provided, single submitter. Criteria: CeGaT Center For Human Genetics Tuebingen Variant Classification Criteria Version 2. Collection method: clinical testing. Allele origin: germline. Affected: yes. Observed: 1 variant allele.
Comment: KIF1B: PM2, PP3

NM_001365951.3(KIF1B):c.4351G>T (p.Asp1451Tyr)

Gene: KIF1B (kinesin family member 1B; plus strand). Cytogenetic location: 1p36.22.
Variant type: single nucleotide variant.
Coding change: c.4351G>T on transcript NM_001365951.3 (MANE Select); coding-DNA position 4351, G replaced by T.
Protein change: p.Asp1451Tyr; replaces aspartic acid 1451 with tyrosine.
Molecular consequence: missense variant.
Genome position (GRCh38, 1-based): chr1:10,363,329, G>T. VCF-style: chr1-10363329-G-T. GRCh37 (hg19) VCF-style: chr1-10423387-G-T.
Other names: c.4351G>T, p.Asp1451Tyr (NM_001365952.1); c.4213G>T, p.Asp1405Tyr (NM_015074.3); short protein forms D1405Y, D1451Y.
Identifiers: ClinVar variation 3234790 (VCV003234790.20), dbSNP rs2521898189, ClinGen allele CA338318727.